The following is an entry in ClinVar:

NM_000814.6(GABRB3):c.328A>G (p.Asn110Asp)

Gene: GABRB3 (gamma-aminobutyric acid type A receptor subunit beta3; minus strand). Cytogenetic location: 15q12.
Variant type: single nucleotide variant.
Coding change: c.328A>G on transcript NM_000814.6 (MANE Select); coding-DNA position 328, A replaced by G.
Protein change: p.Asn110Asp; replaces asparagine 110 with aspartic acid.
Molecular consequence: missense variant. On other transcripts: non-coding transcript variant (1).
Genome position (GRCh38, 1-based): chr15:26,621,447, T>C on the plus strand (A>G on the coding strand, the complement: GABRB3 is on the minus strand). VCF-style: chr15-26621447-T-C. GRCh37 (hg19) VCF-style: chr15-26866594-T-C.
Other names: c.73A>G, p.Asn25Asp (NM_001191320.2, NM_001278631.2); c.115A>G, p.Asn39Asp (NM_001191321.3); c.328A>G, p.Asn110Asp (NM_021912.5); short protein forms N25D, N39D, N110D.
Identifiers: ClinVar variation 1729816 (VCV001729816.3), dbSNP rs767830097, ClinGen allele CA391461012.

ClinVar aggregate classification (germline): Pathogenic/Likely pathogenic. Review status: criteria provided, multiple submitters, no conflicts (2 of 4 stars). 2 submissions from 2 submitters: Pathogenic (1); Likely pathogenic (1). Last evaluated 2024-08-08.

Conditions:
Inborn genetic diseases. Identifiers: MedGen C0950123, MeSH D030342.

Submissions (2):

GeneDx
Classification: Pathogenic. Last evaluated: 2024-08-08. Review status: criteria provided, single submitter. Criteria: GeneDx Variant Classification Process June 2021. Collection method: clinical testing. Allele origin: germline. Affected: yes.
Comment: Not observed at significant frequency in large population cohorts (gnomAD); In silico analysis supports that this missense variant has a deleterious effect on protein structure/function; This variant is associated with the following publications: (PMID: 24909990, 38269347, 36495145, 26950270, 23934111, 25262651, 29186148, 35982159)

Ambry Genetics
Classification: Likely pathogenic for Inborn genetic diseases. Last evaluated: 2017-03-01. Review status: criteria provided, single submitter. Criteria: Ambry Variant Classification Scheme 2023. Collection method: clinical testing. Allele origin: germline.
Comment: The p.N110D variant (also known as c.328A>G), located in coding exon 4 of the GABRB3 gene, results from an A to G substitution at nucleotide position 328. The asparagine at codon 110 is replaced by aspartic acid, an amino acid with highly similar properties. This alteration has been detected de novo in an individual diagnosed with epileptic encephalopathy (Allen et al. Nature, 2013 Sep;501:217-21). Functional studies indicate that this variant impairs GABAA receptor current kinetic properties (Janve VS et al. Ann. Neurol., 2016 Mar). This alteration is located in the extracellular domain of the &beta;3 subunit and is determined to be structurally deleterious (Ambry internal data; Miller PS et al. Nature, 2014 Aug;512:270-5). This amino acid position is highly conserved in available vertebrate species. In addition, the in silico prediction for this alteration is inconclusive. Based on the majority of available evidence to date, this variant is likely to be pathogenic.

Literature cited by the submitters: PubMed 23934111 (cited by Ambry Genetics); PubMed 24909990 (cited by Ambry Genetics); PubMed 26950270 (cited by Ambry Genetics).